The following is an entry in ClinVar:

NM_001256447.2(BCAP31):c.719C>T (p.Pro240Leu)

Gene: BCAP31 (B cell receptor associated protein 31; minus strand). Cytogenetic location: Xq28.
Variant type: single nucleotide variant.
Coding change: c.719C>T on transcript NM_001256447.2 (MANE Select); coding-DNA position 719, C replaced by T.
Protein change: p.Pro240Leu; replaces proline 240 with leucine.
Molecular consequence: missense variant.
Genome position (GRCh38, 1-based): chrX:153,700,959, G>A on the plus strand (C>T on the coding strand, the complement: BCAP31 is on the minus strand). VCF-style: chrX-153700959-G-A. GRCh37 (hg19) VCF-style: chrX-152966414-G-A.
Other names: c.920C>T (NM_001139457.1); c.719C>T, p.Pro240Leu (NM_001139441.1, NM_005745.8); c.920C>T, p.Pro307Leu (NM_001139457.2); short protein forms P240L, P307L.
Identifiers: ClinVar variation 2414267 (VCV002414267.7), dbSNP rs200212822, ClinGen allele CA10549700.

ClinVar aggregate classification (germline): Conflicting classifications of pathogenicity. Review status: criteria provided, conflicting classifications (1 of 4 stars). 2 submissions from 2 submitters: Uncertain significance (1); Likely benign (1). Last evaluated 2025-03-27.

Conditions:
Inborn genetic diseases. Identifiers: MedGen C0950123, MeSH D030342.

Allele frequency attached by ClinVar (database versions not stated): TOPMed 0.00009; gnomAD exomes 0.00017; ExAC 0.00005; gnomAD 0.00008; ESP Exome Variant Server 0.00009.

Submissions (2):

Labcorp Genetics (formerly Invitae), Labcorp
Classification: Uncertain significance. Last evaluated: 2025-03-27. Review status: criteria provided, single submitter. Criteria: Invitae Variant Classification Sherloc (09022015). Collection method: clinical testing. Allele origin: germline.
Comment: This sequence change replaces proline, which is neutral and non-polar, with leucine, which is neutral and non-polar, at codon 240 of the BCAP31 protein (p.Pro240Leu). This variant is present in population databases (rs200212822, gnomAD 0.009%). This variant has not been reported in the literature in individuals affected with BCAP31-related conditions. ClinVar contains an entry for this variant (Variation ID: 2414267). An algorithm developed to predict the effect of missense changes on protein structure and function (PolyPhen-2) suggests that this variant is likely to be tolerated. In summary, the available evidence is currently insufficient to determine the role of this variant in disease. Therefore, it has been classified as a Variant of Uncertain Significance.

Ambry Genetics
Classification: Likely benign for Inborn genetic diseases. Last evaluated: 2024-04-24. Review status: criteria provided, single submitter. Criteria: Ambry Variant Classification Scheme 2023. Collection method: clinical testing. Allele origin: germline.